The following is an entry in ClinVar:

NM_000260.4(MYO7A):c.4462G>C (p.Asp1488His)

Gene: MYO7A (myosin VIIA; plus strand). Cytogenetic location: 11q13.5.
Variant type: single nucleotide variant.
Coding change: c.4462G>C on transcript NM_000260.4 (MANE Select); coding-DNA position 4462, G replaced by C.
Protein change: p.Asp1488His; replaces aspartic acid 1488 with histidine.
Molecular consequence: missense variant.
Genome position (GRCh38, 1-based): chr11:77,198,515, G>C. VCF-style: chr11-77198515-G-C. GRCh37 (hg19) VCF-style: chr11-76909560-G-C.
Other names: c.4462G>C, p.Asp1488His (NM_001127180.2); c.4429G>C, p.Asp1477His (NM_001369365.1); short protein forms D1477H, D1488H.
Identifiers: ClinVar variation 1313691 (VCV001313691.5), dbSNP rs768268356, ClinGen allele CA6198455.

ClinVar aggregate classification (germline): Uncertain significance. Review status: criteria provided, multiple submitters, no conflicts (2 of 4 stars). 2 submissions from 2 submitters: Uncertain significance (2). Last evaluated 2025-08-29.

gnomAD v4.1: 4 of 1,613,880 alleles (0.00025%); highest among the groups gnomAD compares: Admixed American, 0.005%; no homozygotes.

Submissions (2):

Labcorp Genetics (formerly Invitae), Labcorp
Classification: Uncertain significance. Last evaluated: 2025-08-29. Review status: criteria provided, single submitter. Criteria: Invitae Variant Classification Sherloc (09022015). Collection method: clinical testing. Allele origin: germline.
Comment: This sequence change replaces aspartic acid, which is acidic and polar, with histidine, which is basic and polar, at codon 1488 of the MYO7A protein (p.Asp1488His). This variant is present in population databases (rs768268356, gnomAD 0.009%). This variant has not been reported in the literature in individuals affected with MYO7A-related conditions. ClinVar contains an entry for this variant (Variation ID: 1313691). Invitae Evidence Modeling of protein sequence and biophysical properties (such as structural, functional, and spatial information, amino acid conservation, physicochemical variation, residue mobility, and thermodynamic stability) indicates that this missense variant is not expected to disrupt MYO7A protein function with a negative predictive value of 95%. In summary, the available evidence is currently insufficient to determine the role of this variant in disease. Therefore, it has been classified as a Variant of Uncertain Significance.

GeneDx
Classification: Uncertain significance. Last evaluated: 2024-02-20. Review status: criteria provided, single submitter. Criteria: GeneDx Variant Classification Process June 2021. Collection method: clinical testing. Allele origin: germline. Affected: yes.
Comment: In silico analysis supports that this missense variant has a deleterious effect on protein structure/function; Has not been previously published as pathogenic or benign to our knowledge